The following is an entry in ClinVar:

ClinVar aggregate classification (germline): Uncertain significance (1 of 4 stars; one submission).

Conditions:
Dyskeratosis congenita. Identifiers: Orphanet 1775, MedGen C0265965, MONDO:0015780.

Allele frequency attached by ClinVar (database versions not stated): gnomAD exomes below 0.00001 and 0.00003; gnomAD 0.00001.
gnomAD v4.1: 43 of 1,613,460 alleles (0.0027%); highest among the groups gnomAD compares: Non-Finnish European, 0.0035%; no homozygotes.

Submission:

Labcorp Genetics (formerly Invitae), Labcorp
Classification: Uncertain significance for Dyskeratosis congenita. Last evaluated: 2019-01-29. Review status: criteria provided, single submitter. Criteria: Invitae Variant Classification Sherloc (09022015). Collection method: clinical testing. Allele origin: germline.
Comment: This variant has not been reported in the literature in individuals with NHP2-related disease. In summary, the available evidence is currently insufficient to determine the role of this variant in disease. Therefore, it has been classified as a Variant of Uncertain Significance. Algorithms developed to predict the effect of missense changes on protein structure and function (SIFT, PolyPhen-2, Align-GVGD) all suggest that this variant is likely to be tolerated, but these predictions have not been confirmed by published functional studies and their clinical significance is uncertain. This variant is not present in population databases (ExAC no frequency). This sequence change replaces threonine with alanine at codon 23 of the NHP2 protein (p.Thr23Ala). The threonine residue is weakly conserved and there is a small physicochemical difference between threonine and alanine.

NM_017838.4(NHP2):c.67A>G (p.Thr23Ala)

Gene: NHP2 (NHP2 ribonucleoprotein; minus strand). Cytogenetic location: 5q35.3.
Variant type: single nucleotide variant.
Coding change: c.67A>G on transcript NM_017838.4 (MANE Select); coding-DNA position 67, A replaced by G.
Protein change: p.Thr23Ala; replaces threonine 23 with alanine.
Molecular consequence: missense variant.
Genome position (GRCh38, 1-based): chr5:178,153,751, T>C on the plus strand (A>G on the coding strand, the complement: NHP2 is on the minus strand). VCF-style: chr5-178153751-T-C. GRCh37 (hg19) VCF-style: chr5-177580752-T-C.
Other names: c.67A>G, p.Thr23Ala (NM_001034833.2); short protein forms T23A.
Identifiers: ClinVar variation 648348 (VCV000648348.8), dbSNP rs1196159721, ClinGen allele CA362393029.